The following is an entry in ClinVar:

ClinVar aggregate classification (germline): Likely pathogenic (1 of 4 stars; one submission).

Conditions:
CHARGE syndrome (CHARGE). Also called: Coloboma, heart anomaly, choanal atresia, retardation, genital and ear anomalies; CHARGE association; Hall-Hittner syndrome; Hittner Hirsch Kreh syndrome; CHARGE ASSOCIATION--COLOBOMA, HEART ANOMALY, CHOANAL ATRESIA, RETARDATION, GENITAL AND EAR ANOMALIES. Identifiers: Orphanet 138, MedGen C0265354, MONDO:0008965.

Submission:

3billion
Classification: Likely pathogenic for CHD7-related CHARGE syndrome. Last evaluated: 2022-03-22. Review status: criteria provided, single submitter. Criteria: ACMG Guidelines, 2015. Collection method: clinical testing. Allele origin: germline. Affected: yes. Observed: 1 heterozygote.
Comment: Canonical splice site: predicted to alter splicing and result in a loss or disruption of normal protein function through nonsense-mediated decay (NMD) or protein truncation. Multiple pathogenic variants are reported downstream of the variant.It is not observed in the gnomAD v2.1.1 dataset. Therefore, this variant is classified as likely pathogenic according to the recommendation of ACMG/AMP guideline.

NM_017780.4(CHD7):c.2442+1G>A

Gene: CHD7 (chromodomain helicase DNA binding protein 7; plus strand). Cytogenetic location: 8q12.2.
Variant type: single nucleotide variant.
Coding change: c.2442+1G>A on transcript NM_017780.4 (MANE Select); the canonical splice donor site of the intron after coding-DNA position 2442, G replaced by A.
Molecular consequence: splice donor variant. On other transcripts: intron variant (1).
Genome position (GRCh38, 1-based): chr8:60,801,594, G>A. VCF-style: chr8-60801594-G-A. GRCh37 (hg19) VCF-style: chr8-61714153-G-A.
Other names: c.1716+20544G>A (NM_001316690.1).
Identifiers: ClinVar variation 1526239 (VCV001526239.1), dbSNP rs1085307582, ClinGen allele CA371301667.